The following is an entry in ClinVar:

NM_001148.6(ANK2):c.5972G>C (p.Arg1991Pro)

Genes: ANK2 (ankyrin 2; plus strand), LOC126807136 (MED14-independent group 3 enhancer GRCh37_chr4:114274931-114276130; plus strand). Cytogenetic location: 4q26.
Variant type: single nucleotide variant.
Coding change: c.5972G>C on transcript NM_001148.6 (MANE Select); coding-DNA position 5972, G replaced by C.
Protein change: p.Arg1991Pro; replaces arginine 1991 with proline.
Molecular consequence: missense variant. On other transcripts: intron variant (68).
Genome position (GRCh38, 1-based): chr4:113,354,590, G>C. VCF-style: chr4-113354590-G-C. GRCh37 (hg19) VCF-style: chr4-114275746-G-C.
Other names: c.5738G>C, p.Arg1913Pro (NM_001386142.1); c.2372G>C, p.Arg791Pro (NM_001386166.1); c.6113G>C, p.Arg2038Pro (NM_001386174.1); c.6089G>C, p.Arg2030Pro (NM_001386175.1); c.4411+4341G>C (NM_001386186.2, NM_001386148.2); c.4213+4341G>C (NM_001354269.3); c.4291+4341G>C (NM_001386187.2); c.4252+4341G>C (NM_001386147.1); and 35 more; short protein forms R1913P, R1991P, R2030P, R2038P, R791P.
Identifiers: ClinVar variation 1016928 (VCV001016928.6), dbSNP rs755548985, ClinGen allele CA357921948.
Genomic context (GRCh38, chr4:113,354,590, plus strand): 5'-AGCAACCACCTGTATCCCCCACTTCAAAAACAGAGAGGATTGAGGAAACCATGTCTGTTC[G>C]GGAGCTGATGAAGGCTTTCCAGTCAGGTCAGGACCCTTCTAAACATAAAACTGGACTCTT-3'
Protein context (NP_001139.3, residues 1981-2001): TERIEETMSV[Arg1991Pro]ELMKAFQSGQ

ClinVar aggregate classification (germline): Uncertain significance. Review status: criteria provided, multiple submitters, no conflicts (2 of 4 stars). 2 submissions from 2 submitters: Uncertain significance (2). Last evaluated 2022-12-16.

Conditions:
Long QT syndrome (LQTS). Identifiers: MedGen C0023976, MeSH D008133, MONDO:0002442. Disease mechanism: loss of function. Inheritance: Various modes of inheritance.

Allele frequency attached by ClinVar (database versions not stated): TOPMed 0.00001.
gnomAD v4.1: 3 of 1,613,852 alleles (0.00019%); highest among the groups gnomAD compares: South Asian, 0.0011%; no homozygotes.

Submissions (2):

Blueprint Genetics
Classification: Uncertain significance. Last evaluated: 2022-12-16. Review status: criteria provided, single submitter. Criteria: ACMG Guidelines, 2015. Collection method: clinical testing. Allele origin: germline.

Labcorp Genetics (formerly Invitae), Labcorp
Classification: Uncertain significance for Long QT syndrome. Last evaluated: 2022-03-20. Review status: criteria provided, single submitter. Criteria: Invitae Variant Classification Sherloc (09022015). Collection method: clinical testing. Allele origin: germline.
Comment: In summary, the available evidence is currently insufficient to determine the role of this variant in disease. Therefore, it has been classified as a Variant of Uncertain Significance. Algorithms developed to predict the effect of missense changes on protein structure and function are either unavailable or do not agree on the potential impact of this missense change (SIFT: "Tolerated"; PolyPhen-2: "Probably Damaging"; Align-GVGD: "Class C0"). ClinVar contains an entry for this variant (Variation ID: 1016928). This variant has not been reported in the literature in individuals affected with ANK2-related conditions. This variant is not present in population databases (gnomAD no frequency). This sequence change replaces arginine, which is basic and polar, with proline, which is neutral and non-polar, at codon 1991 of the ANK2 protein (p.Arg1991Pro).